The following is an entry in ClinVar:

ClinVar aggregate classification (germline): Uncertain significance. Review status: criteria provided, multiple submitters, no conflicts (2 of 4 stars). 4 submissions from 4 submitters: Uncertain significance (4). Last evaluated 2025-09-10.

Conditions:
Adams-Oliver syndrome 5 (AOS5). Identifiers: Orphanet 974, MedGen C4014970, MONDO:0014459, OMIM 616028.
Aortic valve disease 1 (AOVD1). Identifiers: MedGen C3887892, MONDO:0024523, OMIM 109730.
Familial thoracic aortic aneurysm and aortic dissection (TAAD). Also called: Thoracic aortic aneurysms and dissections. Identifiers: Orphanet 91387, MedGen C4707243, MONDO:0019625.

Allele frequency attached by ClinVar (database versions not stated): gnomAD exomes below 0.00001; gnomAD 0.00001; TOPMed 0.00001.
gnomAD v4.1: 7 of 1,550,528 alleles (0.00045%); highest among the groups gnomAD compares: Non-Finnish European, 0.00061%; no homozygotes.

Submissions (4):

Labcorp Genetics (formerly Invitae), Labcorp
Classification: Uncertain significance for Adams-Oliver syndrome 5. Last evaluated: 2025-09-10. Review status: criteria provided, single submitter. Criteria: Invitae Variant Classification Sherloc (09022015). Collection method: clinical testing. Allele origin: germline.
Comment: This sequence change replaces glycine, which is neutral and non-polar, with aspartic acid, which is acidic and polar, at codon 1033 of the NOTCH1 protein (p.Gly1033Asp). This variant is not present in population databases (gnomAD no frequency). This variant has not been reported in the literature in individuals affected with NOTCH1-related conditions. ClinVar contains an entry for this variant (Variation ID: 1727532). Invitae Evidence Modeling of protein sequence and biophysical properties (such as structural, functional, and spatial information, amino acid conservation, physicochemical variation, residue mobility, and thermodynamic stability) indicates that this missense variant is not expected to disrupt NOTCH1 protein function with a negative predictive value of 80%. In summary, the available evidence is currently insufficient to determine the role of this variant in disease. Therefore, it has been classified as a Variant of Uncertain Significance.

GeneDx
Classification: Uncertain significance. Last evaluated: 2025-02-20. Review status: criteria provided, single submitter. Criteria: GeneDx Variant Classification Process June 2021. Collection method: clinical testing. Allele origin: germline. Affected: yes.
Comment: Not observed at significant frequency in large population cohorts (gnomAD); In silico analysis supports that this missense variant has a deleterious effect on protein structure/function; Has not been previously published as pathogenic or benign to our knowledge

Ambry Genetics
Classification: Uncertain significance for Familial thoracic aortic aneurysm and aortic dissection. Last evaluated: 2022-04-23. Review status: criteria provided, single submitter. Criteria: Ambry Variant Classification Scheme 2023. Collection method: clinical testing. Allele origin: germline.
Comment: The p.G1033D variant (also known as c.3098G>A), located in coding exon 19 of the NOTCH1 gene, results from a G to A substitution at nucleotide position 3098. The glycine at codon 1033 is replaced by aspartic acid, an amino acid with similar properties. This amino acid position is conserved. In addition, this alteration is predicted to be deleterious by in silico analysis. Since supporting evidence is limited at this time, the clinical significance of this alteration remains unclear.

Department of Pathology and Laboratory Medicine, Sinai Health System
Classification: Uncertain significance for Aortic valve disease 1; Adams-Oliver syndrome 5. Last evaluated: 2022-02-09. Review status: criteria provided, single submitter. Criteria: ACMG Guidelines, 2015. Collection method: research. Allele origin: germline.

NM_017617.5(NOTCH1):c.3098G>A (p.Gly1033Asp)

Gene: NOTCH1 (notch receptor 1; minus strand). Cytogenetic location: 9q34.3.
Variant type: single nucleotide variant.
Coding change: c.3098G>A on transcript NM_017617.5 (MANE Select); coding-DNA position 3098, G replaced by A.
Protein change: p.Gly1033Asp; replaces glycine 1033 with aspartic acid.
Molecular consequence: missense variant.
Genome position (GRCh38, 1-based): chr9:136,508,943, C>T on the plus strand (G>A on the coding strand, the complement: NOTCH1 is on the minus strand). VCF-style: chr9-136508943-C-T. GRCh37 (hg19) VCF-style: chr9-139403395-C-T.
Other names: short protein forms G1033D.
Identifiers: ClinVar variation 1727532 (VCV001727532.5), dbSNP rs928471137, ClinGen allele CA201581158.